The following is an entry in ClinVar:

ClinVar aggregate classification (germline): Uncertain significance (1 of 4 stars; one submission).

Conditions:
IFT172-related disorder. Also called: IFT172-related disorders; IFT172-related condition.

gnomAD v4.1: 2 of 1,608,490 alleles (0.00012%); highest among the groups gnomAD compares: South Asian, 0.0011%; no homozygotes.

Submission:

PreventionGenetics, part of Exact Sciences
Classification: Uncertain significance for IFT172-related condition. Last evaluated: 2026-08-06. Review status: criteria provided, single submitter. Criteria: ACMG Guidelines, 2015. Collection method: clinical testing. Allele origin: germline.
Comment: The IFT172 c.212G>A variant is predicted to result in the amino acid substitution p.Gly71Asp. To our knowledge, this variant has not been reported in the literature. This variant is reported in 0.0033% of alleles in individuals of South Asian descent in gnomAD. At this time, the clinical significance of this variant is uncertain due to the absence of conclusive functional and genetic evidence.

NM_015662.3(IFT172):c.212G>A (p.Gly71Asp)

Gene: IFT172 (intraflagellar transport 172; minus strand). Cytogenetic location: 2p23.3.
Variant type: single nucleotide variant.
Coding change: c.212G>A on transcript NM_015662.3 (MANE Select); coding-DNA position 212, G replaced by A.
Protein change: p.Gly71Asp; replaces glycine 71 with aspartic acid.
Molecular consequence: missense variant.
Genome position (GRCh38, 1-based): chr2:27,485,102, C>T on the plus strand (G>A on the coding strand, the complement: IFT172 is on the minus strand). VCF-style: chr2-27485102-C-T. GRCh37 (hg19) VCF-style: chr2-27707969-C-T.
Other names: c.212G>A, p.Gly71Asp (NM_001410739.1); short protein forms G71D.
Identifiers: ClinVar variation 4991901 (VCV004991901.1).
Genomic context (GRCh38, chr2:27,485,102, plus strand): 5'-TAGATGATGTTGTCAGTCTGTCCTATGGCAATTTTAGTGGAATCAGGAGAAAAAGCCATG[C>T]CCTTCACCATATAGCTCTTCCTGCCATACTAAGAGTTTAAAAAAAAAAAAAGAAAGAAAA-3'
Protein context (NP_056477.1, residues 61-81): KYGRKSYMVK[Gly71Asp]MAFSPDSTKI